The following is an entry in ClinVar:

NM_005633.4(SOS1):c.1956G>A (p.Glu652=)

Gene: SOS1 (SOS Ras/Rac guanine nucleotide exchange factor 1; minus strand). Cytogenetic location: 2p22.1.
Variant type: single nucleotide variant.
Coding change: c.1956G>A on transcript NM_005633.4 (MANE Select); coding-DNA position 1956, G replaced by A.
Protein change: p.Glu652=; no amino-acid change (glutamic acid 652 retained).
Molecular consequence: synonymous variant.
Genome position (GRCh38, 1-based): chr2:39,013,974, C>T on the plus strand (G>A on the coding strand, the complement: SOS1 is on the minus strand). VCF-style: chr2-39013974-C-T. GRCh37 (hg19) VCF-style: chr2-39241115-C-T.
Other names: p.E652E; c.1935G>A, p.Glu645= (NM_001382394.1); c.1956G>A, p.Glu652= (NM_001382395.1).
Identifiers: ClinVar variation 1294224 (VCV001294224.13), dbSNP rs1365773428, ClinGen allele CA425731236.
Genomic context (GRCh38, chr2:39,013,974, plus strand): 5'-TGCACTCAAGGGTTGATCTCCATTCTCTATAGCTATGCGATCAGCTTCTGTTGGCTCAGG[C>T]TCTGGAATTTCAAACCTAACATAAAATAGAACAAATTAATGAAAAGACTAATTATATCGA-3'
Protein context (NP_005624.2, residues 642-662): SLIIERFEIP[Glu652=]PEPTEADRIA

ClinVar aggregate classification (germline): Benign/Likely benign. Review status: criteria provided, multiple submitters, no conflicts (2 of 4 stars). 7 submissions from 6 submitters: Benign (1); Likely benign (5). 1 of the submissions does not count toward it. Last evaluated 2026-05-13.

Conditions:
RASopathy. Also called: rasopathies; Noonan spectrum disorder. Identifiers: Orphanet 536391, MedGen C5555857, MONDO:0021060.
Fibromatosis, gingival, 1 (GINGF1). Identifiers: Orphanet 2024, MedGen C4551558, MONDO:0007609, OMIM 135300.
Noonan syndrome 4 (NS4). Also called: NOONAN SYNDROME WITH PIGMENTED VILLONODULAR SYNOVITIS; SOS1-Related Noonan Syndrome. Identifiers: Orphanet 648, MedGen C1853120, MONDO:0012547, OMIM 610733.
SOS1-related disorder. Also called: SOS1-related condition.
Cardiovascular phenotype. Identifiers: MedGen CN230736.

Allele frequency attached by ClinVar (database versions not stated): gnomAD 0.00001; gnomAD exomes 0.00001 and 0.00002; TOPMed 0.00001.
gnomAD v4.1: 6 of 1,604,576 alleles (0.00037%); highest among the groups gnomAD compares: Admixed American, 0.01%; no homozygotes.

Submissions (7):

Ambry Genetics
Classification: Likely benign for Cardiovascular phenotype. Last evaluated: 2026-05-13. Review status: criteria provided, single submitter. Criteria: Ambry Variant Classification Scheme 2023. Collection method: clinical testing. Allele origin: germline.

CeGaT Center for Human Genetics Tuebingen
Classification: Likely benign. Last evaluated: 2026-05-01. Review status: criteria provided, single submitter. Criteria: CeGaT Center For Human Genetics Tuebingen Variant Classification Criteria Version 2. Collection method: clinical testing. Allele origin: germline. Affected: yes. Observed: 1 variant allele.
Comment: SOS1: BP4, BP7

Labcorp Genetics (formerly Invitae), Labcorp
Classification: Likely benign for RASopathy. Last evaluated: 2025-06-29. Review status: criteria provided, single submitter. Criteria: Invitae Variant Classification Sherloc (09022015). Collection method: clinical testing. Allele origin: germline.

GeneDx
Classification: Benign. Last evaluated: 2015-03-03. Review status: criteria provided, single submitter. Criteria: GeneDx Variant Classification Process June 2021. Collection method: clinical testing. Allele origin: germline. Affected: yes.

Genome-Nilou Lab
Classification: Likely benign for Noonan syndrome 4. Review status: criteria provided, single submitter. Criteria: ACMG Guidelines, 2015. Collection method: clinical testing. Allele origin: germline.

Genome-Nilou Lab
Classification: Likely benign for Fibromatosis, gingival, 1. Review status: criteria provided, single submitter. Criteria: ACMG Guidelines, 2015. Collection method: clinical testing. Allele origin: germline.

PreventionGenetics, part of Exact Sciences
Classification: Likely benign for SOS1-related condition. Last evaluated: 2020-01-16. Review status: no assertion criteria provided. Collection method: clinical testing. Allele origin: germline. Not counted in ClinVar's aggregate classification.
Comment: This variant is classified as likely benign based on ACMG/AMP sequence variant interpretation guidelines (Richards et al. 2015 PMID: 25741868, with internal and published modifications).